The following is an entry in ClinVar:

NM_001009944.3(PKD1):c.4019G>A (p.Arg1340Gln)

Gene: PKD1 (polycystin 1, transient receptor potential channel interacting; minus strand). Cytogenetic location: 16p13.3.
Variant type: single nucleotide variant.
Coding change: c.4019G>A on transcript NM_001009944.3 (MANE Select); coding-DNA position 4019, G replaced by A.
Protein change: p.Arg1340Gln; replaces arginine 1340 with glutamine.
Molecular consequence: missense variant.
Genome position (GRCh38, 1-based): chr16:2,111,148, C>T on the plus strand (G>A on the coding strand, the complement: PKD1 is on the minus strand). VCF-style: chr16-2111148-C-T. GRCh37 (hg19) VCF-style: chr16-2161149-C-T.
Other names: c.4019G>A, p.Arg1340Gln (NM_000296.4); short protein forms R1340Q.
Identifiers: ClinVar variation 2225899 (VCV002225899.4), dbSNP rs377331478, ClinGen allele CA7832525.
Genomic context (GRCh38, chr16:2,111,148, plus strand): 5'-ACCAGCGCCAGGGGGAACGTGCCGCTCCGCGTGAAGTTGTGTGTCACCGTCGGGCACCCC[C>T]GCACGGTCGTGTTGGAGGAGCCATCCCCGAAGGTCCAGTCGAAGAGGTAGTGGGCCGGGT-3'
Protein context (NP_001009944.3, residues 1330-1350): FGDGSSNTTV[Arg1340Gln]GCPTVTHNFT

ClinVar aggregate classification (germline): Uncertain significance. Review status: criteria provided, multiple submitters, no conflicts (2 of 4 stars). 3 submissions from 3 submitters: Uncertain significance (3). Last evaluated 2026-07-20.

Conditions:
Inborn genetic diseases. Identifiers: MedGen C0950123, MeSH D030342.
PKD1-related disorder. Also called: PKD1-related condition.
Polycystic kidney disease, adult type (PKD1). Also called: Polycystic Kidney Disease 1, Autosomal Dominant; Polycystic kidney disease 1; Polycystic kidney disease 1, severe; POLYCYSTIC KIDNEY DISEASE 1 WITH OR WITHOUT POLYCYSTIC LIVER DISEASE; POLYCYSTIC KIDNEY DISEASE, ADULT, TYPE I; Polycystic Kidney, Autosomal Dominant. Identifiers: MedGen C3149841, MONDO:0008263, OMIM 173900.

Allele frequency attached by ClinVar (database versions not stated): gnomAD 0.00006; ExAC 0.00007; ESP Exome Variant Server 0.00015; 1000 Genomes Project 0.00020; 1000 Genomes Project 30x 0.00031.

Submissions (3):

PreventionGenetics, part of Exact Sciences
Classification: Uncertain significance for PKD1-related condition. Last evaluated: 2026-07-20. Review status: criteria provided, single submitter. Criteria: ACMG Guidelines, 2015. Collection method: clinical testing. Allele origin: germline.
Comment: The PKD1 c.4019G>A variant is predicted to result in the amino acid substitution p.Arg1340Gln. To our knowledge, this variant has not been reported in the literature. This variant is reported in 0.025% of alleles in individuals of African descent in gnomAD, which may be too frequent to be a primary cause of disease. Although we suspect that this variant may be benign, at this time, the clinical significance of this variant is uncertain due to the absence of conclusive functional and genetic evidence.

Fulgent Genetics
Classification: Uncertain significance for Polycystic kidney disease, adult type. Last evaluated: 2024-02-06. Review status: criteria provided, single submitter. Criteria: ACMG Guidelines, 2015. Collection method: clinical testing. Allele origin: germline.

Ambry Genetics
Classification: Uncertain significance for Inborn genetic diseases. Last evaluated: 2022-11-08. Review status: criteria provided, single submitter. Criteria: Ambry Variant Classification Scheme 2023. Collection method: clinical testing. Allele origin: germline.